The following is an entry in ClinVar:

NM_058216.3(RAD51C):c.837+1G>T

Gene: RAD51C (RAD51 paralog C; plus strand). Cytogenetic location: 17q22.
Variant type: single nucleotide variant.
Coding change: c.837+1G>T on transcript NM_058216.3 (MANE Select); the canonical splice donor site of the intron after coding-DNA position 837, G replaced by T.
Molecular consequence: splice donor variant.
Genome position (GRCh38, 1-based): chr17:58,709,991, G>T. VCF-style: chr17-58709991-G-T. GRCh37 (hg19) VCF-style: chr17-56787352-G-T.
Identifiers: ClinVar variation 241779 (VCV000241779.18), dbSNP rs760235677, ClinGen allele CA10583607.

ClinVar aggregate classification (germline): Pathogenic/Likely pathogenic. Review status: criteria provided, multiple submitters, no conflicts (2 of 4 stars). 8 submissions from 7 submitters: Pathogenic (2); Likely pathogenic (4). 2 of the submissions do not count toward it. Last evaluated 2026-04-23.

Conditions:
Hereditary cancer-predisposing syndrome. Also called: Neoplastic Syndromes, Hereditary; Hereditary Cancer Syndrome; Tumor predisposition; Hereditary neoplastic syndrome. Identifiers: Orphanet 140162, MedGen C0027672, MeSH D009386, MONDO:0015356.
Hereditary breast ovarian cancer syndrome. Also called: Hereditary breast and ovarian cancer; BRCA1- and BRCA2-Associated Hereditary Breast and Ovarian Cancer; Hereditary breast and ovarian cancer syndrome; Hereditary breast and ovarian cancer syndrome (HBOC); Breast and ovarian cancer; Hereditary breast and/or ovarian cancer syndrome. Identifiers: Orphanet 145, MedGen C0677776, MeSH D061325, MONDO:0003582. Disease mechanism: loss of function.
Breast-ovarian cancer, familial, susceptibility to, 3. Also called: RAD51C-Related Breast/Ovarian Cancer. Identifiers: Orphanet 145, MedGen C3150659, MONDO:0013253, OMIM 613399.
Fanconi anemia complementation group O. Also called: RAD51C-Related Fanconi Anemia. Identifiers: Orphanet 84, MedGen C3150653, MONDO:0013248, OMIM 613390.

Submissions (8):

Ambry Genetics
Classification: Likely pathogenic for Hereditary cancer-predisposing syndrome. Last evaluated: 2026-04-23. Review status: criteria provided, single submitter. Criteria: Ambry Variant Classification Scheme 2023. Collection method: clinical testing. Allele origin: germline.
Comment: The c.837+1G>T intronic variant results from a G to T substitution one nucleotide after coding exon 5 of the RAD51C gene. This variant is considered to be rare based on population cohorts in the Genome Aggregation Database (gnomAD). This nucleotide position is highly conserved in available vertebrate species. Alterations that disrupt the canonical splice site are expected to result in aberrant splicing. In silico splice site analysis predicts that this alteration will weaken the native splice donor site; however, direct evidence is insufficient at this time (Ambry internal data). The resulting transcript is predicted to be in-frame and is not expected to trigger nonsense-mediated mRNAdecay. The exact functional effect of the altered amino acid sequence is unknown; however, the impacted region is critical for protein function (Drexler GA et al. DNA Repair (Amst.) 2004 Oct;3(10):1335-43)). Based on the majority of available evidence to date, this variant is likely to be pathogenic.

Labcorp Genetics (formerly Invitae), Labcorp
Classification: Pathogenic for Fanconi anemia complementation group O. Last evaluated: 2024-07-24. Review status: criteria provided, single submitter. Criteria: Invitae Variant Classification Sherloc (09022015). Collection method: clinical testing. Allele origin: germline.
Comment: This sequence change affects a donor splice site in intron 5 of the RAD51C gene. It is expected to disrupt RNA splicing. Variants that disrupt the donor or acceptor splice site typically lead to a loss of protein function (PMID: 16199547), and loss-of-function variants in RAD51C are known to be pathogenic (PMID: 20400964, 21990120, 24800917, 29278735). This variant is not present in population databases (gnomAD no frequency). Disruption of this splice site has been observed in individual(s) with breast and/or ovarian cancer (PMID: 28802053, 32107557). ClinVar contains an entry for this variant (Variation ID: 241779). Studies have shown that disruption of this splice site is associated with inconclusive levels of altered splicing (Invitae). For these reasons, this variant has been classified as Pathogenic.

Fulgent Genetics
Classification: Likely pathogenic for Fanconi anemia complementation group O; Breast-ovarian cancer, familial, susceptibility to, 3. Last evaluated: 2024-04-23. Review status: criteria provided, single submitter. Criteria: ACMG Guidelines, 2015. Collection method: clinical testing. Allele origin: germline.

GeneDx
Classification: Likely pathogenic. Last evaluated: 2023-08-25. Review status: criteria provided, single submitter. Criteria: GeneDx Variant Classification Process June 2021. Collection method: clinical testing. Allele origin: germline. Affected: yes.
Comment: Canonical splice site variant demonstrated to cause abnormal splicing, resulting in an in-frame loss of the adjacent exon in the majority of transcripts, in a gene for which loss of function is a known mechanism of disease (Sanoguera-Miralles et al., 2022); Not observed at significant frequency in large population cohorts (gnomAD); Observed in individual(s) with ovarian cancer (Lu et al., 2019); This variant is associated with the following publications: (PMID: 21616938, 27908594, 28802053, 32107557, 14704354, 30128536, 35740625)

Women's Health and Genetics/Laboratory Corporation of America, LabCorp
Classification: Pathogenic for Hereditary breast ovarian cancer syndrome. Last evaluated: 2023-06-12. Review status: criteria provided, single submitter. Criteria: LabCorp Variant Classification Summary - May 2015. Collection method: clinical testing. Allele origin: germline.
Comment: Variant summary: RAD51C c.837+1G>T is located in a canonical splice-site and is predicted to affect mRNA splicing resulting in a significantly altered protein due to either exon skipping, shortening, or inclusion of intronic material. Several computational tools predict a significant impact on normal splicing: Three predict the variant abolishes a 5' splicing donor site. Experimental evidence support these predictions demonstrating that this variant affects mRNA splicing, leading to in-frame skipping of exon 5 (Sanoguera-Miralles_2022). The variant was absent in 251374 control chromosomes (gnomAD). c.837+1G>T has been reported in the literature in individuals affected with Hereditary Breast And Ovarian Cancer Syndrome (Swisher_2017, Lu_2019). These data indicate that the variant is likely to be associated with disease. The following publications have been ascertained in the context of this evaluation (PMID: 30128536, 35740625, 27908594). Three clinical diagnostic laboratories have submitted clinical-significance assessments for this variant to ClinVar after 2014 and classified the variant as pathogenic/likely pathogenic. Based on the evidence outlined above, the variant was classified as pathogenic.

Myriad Genetics, Inc.
Classification: Likely pathogenic for Breast-ovarian cancer, familial, susceptibility to, 3. Last evaluated: 2023-04-05. Review status: criteria provided, single submitter. Criteria: Myriad Autosomal Dominant, Autosomal Recessive and X-Linked Classification Criteria (2023). Collection method: clinical testing. Allele origin: unknown.
Comment: This variant is considered likely pathogenic. This variant occurs within a consensus splice junction and is predicted to result in abnormal mRNA splicing of either an out-of-frame exon or an in-frame exon necessary for protein stability and/or normal function.

Counsyl
Classification: Likely pathogenic for Fanconi anemia complementation group O. Last evaluated: 2016-08-10. Review status: no assertion criteria provided. Collection method: clinical testing. Allele origin: unknown. Not counted in ClinVar's aggregate classification.

Counsyl
Classification: Likely pathogenic for Breast-ovarian cancer, familial, susceptibility to, 3. Last evaluated: 2016-08-10. Review status: no assertion criteria provided. Collection method: clinical testing. Allele origin: unknown. Not counted in ClinVar's aggregate classification.

Literature cited by the submitters: PubMed 16199547 (cited by Labcorp Genetics (formerly Invitae), Labcorp); PubMed 20400964 (cited by Labcorp Genetics (formerly Invitae), Labcorp); PubMed 21990120 (cited by Labcorp Genetics (formerly Invitae), Labcorp); PubMed 24800917 (cited by Labcorp Genetics (formerly Invitae), Labcorp); PubMed 29278735 (cited by Labcorp Genetics (formerly Invitae), Labcorp); PubMed 28802053 (cited by Labcorp Genetics (formerly Invitae), Labcorp); PubMed 32107557 (cited by Labcorp Genetics (formerly Invitae), Labcorp); PubMed 30128536 (cited by Women's Health and Genetics/Laboratory Corporation of America, LabCorp); PubMed 35740625 (cited by Women's Health and Genetics/Laboratory Corporation of America, LabCorp); PubMed 27908594 (cited by Women's Health and Genetics/Laboratory Corporation of America, LabCorp).